The following is an entry in ClinVar:

ClinVar aggregate classification (germline): Likely benign. Review status: reviewed by expert panel (3 of 4 stars). 12 submissions from 12 submitters: Likely benign (1). 11 of the submissions do not count toward it. Last evaluated 2017-06-29.

Conditions:
Hereditary cancer-predisposing syndrome. Also called: Hereditary neoplastic syndrome; Tumor predisposition; Neoplastic Syndromes, Hereditary; Hereditary Cancer Syndrome. Identifiers: Orphanet 140162, MedGen C0027672, MeSH D009386, MONDO:0015356.
Hereditary breast ovarian cancer syndrome. Also called: Breast and ovarian cancer; Hereditary breast and/or ovarian cancer syndrome; BRCA1- and BRCA2-Associated Hereditary Breast and Ovarian Cancer; Hereditary breast and ovarian cancer; Hereditary breast and ovarian cancer syndrome; Hereditary breast and ovarian cancer syndrome (HBOC). Identifiers: Orphanet 145, MedGen C0677776, MeSH D061325, MONDO:0003582. Disease mechanism: loss of function.
Breast-ovarian cancer, familial, susceptibility to, 1 (BROVCA1). Also called: BRCA1 Hereditary Breast and Ovarian Cancer; OVARIAN CANCER, SUSCEPTIBILITY TO. Identifiers: Orphanet 145, MedGen C2676676, MONDO:0011450, OMIM 604370. Disease mechanism: loss of function.

Allele frequency attached by ClinVar (database versions not stated): gnomAD exomes below 0.00001.

Submissions (12):

Evidence-based Network for the Interpretation of Germline Mutant Alleles (ENIGMA)
Classification: Likely benign for Breast-ovarian cancer, familial, susceptibility to, 1. Last evaluated: 2017-06-29. Review status: reviewed by expert panel. Criteria: ENIGMA BRCA1/2 Classification Criteria (2017-06-29). Collection method: curation. Allele origin: germline.
Comment: Synonymous substitution variant, with low bioinformatic likelihood to result in a splicing aberration (Splicing prior probability 0.04).

CeGaT Center for Human Genetics Tuebingen
Classification: Likely benign. Last evaluated: 2026-08-01. Review status: criteria provided, single submitter. Criteria: CeGaT Center For Human Genetics Tuebingen Variant Classification Criteria Version 2. Collection method: clinical testing. Allele origin: germline. Affected: yes. Observed: 3 variant alleles. Not counted in ClinVar's aggregate classification.
Comment: BRCA1: BP4, BP7

Labcorp Genetics (formerly Invitae), Labcorp
Classification: Likely benign for Hereditary breast ovarian cancer syndrome. Last evaluated: 2025-08-17. Review status: criteria provided, single submitter. Criteria: Invitae Variant Classification Sherloc (09022015). Collection method: clinical testing. Allele origin: germline. Not counted in ClinVar's aggregate classification.

Center for Genomic Medicine, Rigshospitalet, Copenhagen University Hospital
Classification: Likely benign. Last evaluated: 2025-03-04. Review status: criteria provided, single submitter. Criteria: ACMG Guidelines, 2015. Collection method: clinical testing. Allele origin: germline. Not counted in ClinVar's aggregate classification.

All of Us Research Program, National Institutes of Health
Classification: Likely benign for Breast-ovarian cancer, familial, susceptibility to, 1. Last evaluated: 2023-11-28. Review status: criteria provided, single submitter. Criteria: ACMG Guidelines, 2015. Collection method: clinical testing. Allele origin: germline. Inheritance: Autosomal dominant inheritance. Observed: 2 variant alleles, 2 heterozygotes. Not counted in ClinVar's aggregate classification.
Comment: This study involves interpretation of variants in research participants for the purpose of population health screening. Participant phenotype was not available at the time of variant classification. Additional details can be found in publication PMID: 35346344, PMCID: PMC8962531

Color Diagnostics, LLC DBA Color Health
Classification: Likely benign for Hereditary cancer-predisposing syndrome. Last evaluated: 2020-06-09. Review status: criteria provided, single submitter. Criteria: ACMG Guidelines, 2015. Collection method: clinical testing. Allele origin: germline. Not counted in ClinVar's aggregate classification.

GeneDx
Classification: Likely benign. Last evaluated: 2019-02-26. Review status: criteria provided, single submitter. Criteria: GeneDx Variant Classification Process June 2021. Collection method: clinical testing. Allele origin: germline. Affected: yes. Not counted in ClinVar's aggregate classification.

Ambry Genetics
Classification: Likely benign for Hereditary cancer-predisposing syndrome. Last evaluated: 2018-08-01. Review status: criteria provided, single submitter. Criteria: Ambry Variant Classification Scheme 2023. Collection method: clinical testing. Allele origin: germline. Not counted in ClinVar's aggregate classification.

Eurofins Ntd Llc (ga)
Classification: Uncertain significance. Last evaluated: 2014-09-05. Review status: criteria provided, single submitter. Criteria: EGL Classification Definitions 2015. Collection method: clinical testing. Allele origin: germline. Not counted in ClinVar's aggregate classification.

Clinical Genetics Laboratory, Department of Pathology, Netherlands Cancer Institute
Classification: Likely benign. Review status: no assertion criteria provided. Collection method: clinical testing. Allele origin: germline. Affected: yes. Study: VKGL Data-share Consensus. Not counted in ClinVar's aggregate classification.

Genome Diagnostics Laboratory, University Medical Center Utrecht
Classification: Likely benign. Review status: no assertion criteria provided. Collection method: clinical testing. Allele origin: germline. Affected: yes. Study: VKGL Data-share Consensus. Not counted in ClinVar's aggregate classification.

Joint Genome Diagnostic Labs from Nijmegen and Maastricht, Radboudumc and MUMC+
Classification: Likely benign. Review status: no assertion criteria provided. Collection method: clinical testing. Allele origin: germline. Affected: yes. Study: VKGL Data-share Consensus. Not counted in ClinVar's aggregate classification.

NM_007294.4(BRCA1):c.439T>C (p.Leu147=)

Gene: BRCA1 (BRCA1 DNA repair associated; minus strand). Cytogenetic location: 17q21.31.
Variant type: single nucleotide variant.
Coding change: c.439T>C on transcript NM_007294.4 (MANE Select); coding-DNA position 439, T replaced by C.
Protein change: p.Leu147=; no amino-acid change (leucine 147 retained).
Molecular consequence: synonymous variant. On other transcripts: intron variant (2).
Genome position (GRCh38, 1-based): chr17:43,104,124, A>G on the plus strand (T>C on the coding strand, the complement: BRCA1 is on the minus strand). VCF-style: chr17-43104124-A-G. GRCh37 (hg19) VCF-style: chr17-41256141-A-G.
Other names: c.229T>C, p.Leu77= (NM_001407571.1, NM_001407853.1, NM_001407879.1 and 58 more transcripts); c.439T>C, p.Leu147= (NM_001407581.1, NM_001407582.1, NM_001407583.1 and 165 more transcripts); c.430T>C, p.Leu144= (NM_001407646.1, NM_001407647.1, NM_001408408.1); c.361T>C, p.Leu121= (NM_001407653.1, NM_001407654.1, NM_001407655.1 and 21 more transcripts); c.298T>C, p.Leu100= (NM_001407692.1, NM_001407694.1, NM_001407695.1 and 99 more transcripts); c.58T>C, p.Leu20= (NM_001407959.1, NM_001407960.1, NM_001407962.1 and 4 more transcripts); c.307T>C, p.Leu103= (NM_001408451.1); c.-218-9264T>C (NM_001407967.1, NM_001407966.1).
Identifiers: ClinVar variation 198200 (VCV000198200.73), dbSNP rs794727800, ClinGen allele CA002822.